The following is an entry in ClinVar:

ClinVar aggregate classification (germline): Benign/Likely benign. Review status: criteria provided, multiple submitters, no conflicts (2 of 4 stars). 4 submissions from 4 submitters: Benign (1); Likely benign (2). 1 of the submissions does not count toward it. Last evaluated 2025-12-30.

Conditions:
C3-related disorder. Also called: C3-related condition.

gnomAD v4.1: 146 of 1,614,158 alleles (0.009%); highest among the groups gnomAD compares: South Asian, 0.018%; no homozygotes.

Submissions (4):

Labcorp Genetics (formerly Invitae), Labcorp
Classification: Likely benign. Last evaluated: 2025-12-30. Review status: criteria provided, single submitter. Criteria: Invitae Variant Classification Sherloc (09022015). Collection method: clinical testing. Allele origin: germline.

Laboratory of Genetics, Children's Clinical University Hospital Latvia
Classification: Benign. Last evaluated: 2025-02-16. Review status: criteria provided, single submitter. Criteria: ACMG Guidelines, 2015. Collection method: clinical testing. Allele origin: germline. Affected: yes.

Blueprint Genetics
Classification: Likely benign. Last evaluated: 2023-07-31. Review status: criteria provided, single submitter. Criteria: ACMG Guidelines, 2015. Collection method: clinical testing. Allele origin: germline.

PreventionGenetics, part of Exact Sciences
Classification: Likely benign for C3-related condition. Last evaluated: 2023-09-08. Review status: no assertion criteria provided. Collection method: clinical testing. Allele origin: germline. Not counted in ClinVar's aggregate classification.
Comment: This variant is classified as likely benign based on ACMG/AMP sequence variant interpretation guidelines (Richards et al. 2015 PMID: 25741868, with internal and published modifications).

NM_000064.4(C3):c.3753C>T (p.Pro1251=)

Gene: C3 (complement C3; minus strand). Cytogenetic location: 19p13.3.
Variant type: single nucleotide variant.
Coding change: c.3753C>T on transcript NM_000064.4 (MANE Select); coding-DNA position 3753, C replaced by T.
Protein change: p.Pro1251=; no amino-acid change (proline 1251 retained).
Molecular consequence: synonymous variant.
Genome position (GRCh38, 1-based): chr19:6,686,181, G>A on the plus strand (C>T on the coding strand, the complement: C3 is on the minus strand). VCF-style: chr19-6686181-G-A. GRCh37 (hg19) VCF-style: chr19-6686192-G-A.
Other names: c.3753C>T (NM_000064.3).
Identifiers: ClinVar variation 1665735 (VCV001665735.12), dbSNP rs2230209, ClinGen allele CA9128647.